The following is an entry in ClinVar:

NM_031892.3(SH3KBP1):c.1709C>T (p.Ala570Val)

Gene: SH3KBP1 (SH3 domain containing kinase binding protein 1; minus strand). Cytogenetic location: Xp22.12.
Variant type: single nucleotide variant.
Coding change: c.1709C>T on transcript NM_031892.3 (MANE Select); coding-DNA position 1709, C replaced by T.
Protein change: p.Ala570Val; replaces alanine 570 with valine.
Molecular consequence: missense variant.
Genome position (GRCh38, 1-based): chrX:19,542,108, G>A on the plus strand (C>T on the coding strand, the complement: SH3KBP1 is on the minus strand). VCF-style: chrX-19542108-G-A. GRCh37 (hg19) VCF-style: chrX-19560226-G-A.
Other names: c.1598C>T, p.Ala533Val (NM_001024666.3); c.995C>T, p.Ala332Val (NM_001184960.2); c.1580C>T, p.Ala527Val (NM_001353890.2); c.1784C>T, p.Ala595Val (NM_001353891.2); c.1655C>T, p.Ala552Val (NM_001353892.2); c.1607C>T, p.Ala536Val (NM_001353893.2); c.1478C>T, p.Ala493Val (NM_001353894.2); c.1535C>T, p.Ala512Val (NM_001353895.2); and 4 more; short protein forms A289V, A332V, A468V, A493V, A512V, A527V, A533V, A536V.
Identifiers: ClinVar variation 3605358 (VCV003605358.3).
Genomic context (GRCh38, chrX:19,542,108, plus strand): 5'-AGAGACGGGGAGTTGGCTCTGTGTCCAGCTGTTCCCAAAGAGGATGACAGGGGGGAGGGC[G>A]CCGCTGAGGACAGAGGGGCTGGCCCACCGCCACCTGCTGCCATGGTCCCCGGCTTGGGCG-3'
Protein context (NP_114098.1, residues 560-580): GGGPAPLSSA[Ala570Val]PSPLSSSLGT

ClinVar aggregate classification (germline): Conflicting classifications of pathogenicity. Review status: criteria provided, conflicting classifications (1 of 4 stars). 2 submissions from 2 submitters: Uncertain significance (1); Likely benign (1). Last evaluated 2026-08-01.

gnomAD v4.1: 21 of 1,210,200 alleles (0.0017%); highest among the groups gnomAD compares: East Asian, 0.033%; 1 homozygote.

Submissions (2):

CeGaT Center for Human Genetics Tuebingen
Classification: Likely benign. Last evaluated: 2026-08-01. Review status: criteria provided, single submitter. Criteria: CeGaT Center For Human Genetics Tuebingen Variant Classification Criteria Version 2. Collection method: clinical testing. Allele origin: germline. Affected: yes. Observed: 1 variant allele.
Comment: SH3KBP1: BP4

Labcorp Genetics (formerly Invitae), Labcorp
Classification: Uncertain significance. Last evaluated: 2025-05-22. Review status: criteria provided, single submitter. Criteria: Invitae Variant Classification Sherloc (09022015). Collection method: clinical testing. Allele origin: germline.
Comment: This sequence change replaces alanine, which is neutral and non-polar, with valine, which is neutral and non-polar, at codon 570 of the SH3KBP1 protein (p.Ala570Val). This variant is present in population databases (rs17851336, gnomAD 0.02%). This variant has not been reported in the literature in individuals affected with SH3KBP1-related conditions. ClinVar contains an entry for this variant (Variation ID: 3605358). An algorithm developed to predict the effect of missense changes on protein structure and function outputs the following: PolyPhen-2: "Possibly Damaging". The valine amino acid residue is found in multiple mammalian species, which suggests that this missense change does not adversely affect protein function. In summary, the available evidence is currently insufficient to determine the role of this variant in disease. Therefore, it has been classified as a Variant of Uncertain Significance.